The following is an entry in ClinVar:

ClinVar aggregate classification (germline): Uncertain significance (1 of 4 stars; one submission).

Conditions:
Intellectual developmental disorder, autosomal dominant 6, with or without seizures. Also called: GRIN2B-related developmental delay, intellectual disability and autism spectrum disorder; Intellectual disability, autosomal dominant 6. Identifiers: Orphanet 589547, MedGen C3151411, MONDO:0013509, OMIM 613970.
Developmental and epileptic encephalopathy, 27 (DEE27). Also called: Epileptic encephalopathy, early infantile, 27; GRIN2B-Related Neurodevelopmental Disorder. Identifiers: Orphanet 3451, MedGen C4015316, MONDO:0014505, OMIM 616139.

Submission:

Labcorp Genetics (formerly Invitae), Labcorp
Classification: Uncertain significance for Developmental and epileptic encephalopathy, 27; Intellectual developmental disorder, autosomal dominant 6, with or without seizures. Last evaluated: 2024-01-15. Review status: criteria provided, single submitter. Criteria: Invitae Variant Classification Sherloc (09022015). Collection method: clinical testing. Allele origin: germline.
Comment: This sequence change replaces leucine, which is neutral and non-polar, with proline, which is neutral and non-polar, at codon 230 of the GRIN2B protein (p.Leu230Pro). This variant is not present in population databases (gnomAD no frequency). This variant has not been reported in the literature in individuals affected with GRIN2B-related conditions. Advanced modeling of protein sequence and biophysical properties (such as structural, functional, and spatial information, amino acid conservation, physicochemical variation, residue mobility, and thermodynamic stability) performed at Invitae indicates that this missense variant is expected to disrupt GRIN2B protein function with a positive predictive value of 95%. In summary, the available evidence is currently insufficient to determine the role of this variant in disease. Therefore, it has been classified as a Variant of Uncertain Significance.

NM_000834.5(GRIN2B):c.689T>C (p.Leu230Pro)

Gene: GRIN2B (glutamate ionotropic receptor NMDA type subunit 2B; minus strand). Cytogenetic location: 12p13.1.
Variant type: single nucleotide variant.
Coding change: c.689T>C on transcript NM_000834.5 (MANE Select); coding-DNA position 689, T replaced by C.
Protein change: p.Leu230Pro; replaces leucine 230 with proline.
Molecular consequence: missense variant.
Genome position (GRCh38, 1-based): chr12:13,753,638, A>G on the plus strand (T>C on the coding strand, the complement: GRIN2B is on the minus strand). VCF-style: chr12-13753638-A-G. GRCh37 (hg19) VCF-style: chr12-13906572-A-G.
Other names: c.689T>C, p.Leu230Pro (NM_001413994.1, NM_001413995.1, NM_001413992.1 and 1 more transcripts); short protein forms L230P.
Identifiers: ClinVar variation 2953379 (VCV002953379.3), dbSNP rs2497777772, ClinGen allele CA384053848.
Genomic context (GRCh38, chr12:13,753,638, plus strand): 5'-GTCAGCCCTACTGAGTTGGCCACTTCAAAGATGTAGGTGGCTTCTTCCTTGGTACAGTAA[A>G]GAAGAATGATGGGGCTTTGAAGTTTCTTGAGCTGATTCTGGATCTTAGAATCTCCATCGT-3'
Protein context (NP_000825.2, residues 220-240): LKKLQSPIIL[Leu230Pro]YCTKEEATYI